The following is an entry in ClinVar:

NM_001830.4(CLCN4):c.1271G>A (p.Arg424Gln)

Gene: CLCN4 (chloride voltage-gated channel 4; plus strand). Cytogenetic location: Xp22.2.
Variant type: single nucleotide variant.
Coding change: c.1271G>A on transcript NM_001830.4 (MANE Select); coding-DNA position 1271, G replaced by A.
Protein change: p.Arg424Gln; replaces arginine 424 with glutamine.
Molecular consequence: missense variant.
Genome position (GRCh38, 1-based): chrX:10,208,472, G>A. VCF-style: chrX-10208472-G-A. GRCh37 (hg19) VCF-style: chrX-10176512-G-A.
Other names: c.1271G>A (NM_001830.3); c.989G>A, p.Arg330Gln (NM_001256944.2); short protein forms R330Q, R424Q.
Identifiers: ClinVar variation 1949379 (VCV001949379.6), dbSNP rs2518885572, ClinGen allele CA412038397.
Genomic context (GRCh38, chrX:10,208,472, plus strand): 5'-ACTGTGGAGCCCTTGAGTCTTCCCAGCTCTGTGACTACATCAATGACCCCAACATGACTC[G>A]GCCTGTGGATGACATTCCAGACCGGCCGGCTGGTGTCGGTGTTTACACGGCCATGTGGCA-3'
Protein context (NP_001821.2, residues 414-434): CDYINDPNMT[Arg424Gln]PVDDIPDRPA

ClinVar aggregate classification (germline): Uncertain significance. Review status: criteria provided, multiple submitters, no conflicts (2 of 4 stars). 2 submissions from 2 submitters: Uncertain significance (2). Last evaluated 2025-06-27.

Allele frequency attached by ClinVar (database versions not stated): gnomAD exomes below 0.00001.
gnomAD v4.1: 2 of 1,211,339 alleles (0.00017%); highest among the groups gnomAD compares: East Asian, 0.003%; no homozygotes.

Submissions (2):

GeneDx
Classification: Uncertain significance. Last evaluated: 2025-06-27. Review status: criteria provided, single submitter. Criteria: GeneDx Variant Classification Process June 2021. Collection method: clinical testing. Allele origin: germline. Affected: yes.
Comment: Not observed at significant frequency in large population cohorts (gnomAD); In silico analysis suggests that this missense variant does not alter protein structure/function; Has not been previously published as pathogenic or benign to our knowledge

Labcorp Genetics (formerly Invitae), Labcorp
Classification: Uncertain significance. Last evaluated: 2022-08-28. Review status: criteria provided, single submitter. Criteria: Invitae Variant Classification Sherloc (09022015). Collection method: clinical testing. Allele origin: germline.
Comment: In summary, the available evidence is currently insufficient to determine the role of this variant in disease. Therefore, it has been classified as a Variant of Uncertain Significance. Algorithms developed to predict the effect of missense changes on protein structure and function (SIFT, PolyPhen-2, Align-GVGD) all suggest that this variant is likely to be tolerated. This variant has not been reported in the literature in individuals affected with CLCN4-related conditions. This variant is not present in population databases (gnomAD no frequency). This sequence change replaces arginine, which is basic and polar, with glutamine, which is neutral and polar, at codon 424 of the CLCN4 protein (p.Arg424Gln).